The following is an entry in ClinVar:

NM_002224.4(ITPR3):c.3915C>T (p.Thr1305=)

Gene: ITPR3 (inositol 1,4,5-trisphosphate receptor type 3; plus strand). Cytogenetic location: 6p21.31.
Variant type: single nucleotide variant.
Coding change: c.3915C>T on transcript NM_002224.4 (MANE Select); coding-DNA position 3915, C replaced by T.
Protein change: p.Thr1305=; no amino-acid change (threonine 1305 retained).
Molecular consequence: synonymous variant.
Genome position (GRCh38, 1-based): chr6:33,678,782, C>T. VCF-style: chr6-33678782-C-T. GRCh37 (hg19) VCF-style: chr6-33646559-C-T.
Identifiers: ClinVar variation 728948 (VCV000728948.5), dbSNP rs145939493, ClinGen allele CA3761063.

ClinVar aggregate classification (germline): Benign. Review status: criteria provided, single submitter (1 of 4 stars). 2 submissions from 2 submitters: Benign (1). 1 of the submissions does not count toward it. Last evaluated 2018-10-10.

Conditions:
ITPR3-related disorder. Also called: ITPR3-related condition.

Allele frequency attached by ClinVar (database versions not stated): 1000 Genomes Project 30x 0.00031; gnomAD exomes 0.00031; 1000 Genomes Project 0.00040; ExAC 0.00041; gnomAD 0.00090 and 0.00101; TOPMed 0.00108; ESP Exome Variant Server 0.00138.
gnomAD v4.1: 303 of 1,613,482 alleles (0.019%); highest among the groups gnomAD compares: African/African-American, 0.33%; 1 homozygote.

Submissions (2):

Labcorp Genetics (formerly Invitae), Labcorp
Classification: Benign. Last evaluated: 2018-10-10. Review status: criteria provided, single submitter. Criteria: Invitae Variant Classification Sherloc (09022015). Collection method: clinical testing. Allele origin: germline.

PreventionGenetics, part of Exact Sciences
Classification: Likely benign for ITPR3-related condition. Last evaluated: 2019-07-15. Review status: no assertion criteria provided. Collection method: clinical testing. Allele origin: germline. Not counted in ClinVar's aggregate classification.
Comment: This variant is classified as likely benign based on ACMG/AMP sequence variant interpretation guidelines (Richards et al. 2015 PMID: 25741868, with internal and published modifications).